The following is an entry in ClinVar:

NM_004208.4(AIFM1):c.1465G>C (p.Asp489His)

Genes: AIFM1 (apoptosis inducing factor mitochondria associated 1; minus strand), RAB33A (RAB33A, member RAS oncogene family; plus strand). Cytogenetic location: Xq26.1.
Variant type: single nucleotide variant.
Coding change: c.1465G>C on transcript NM_004208.4 (MANE Select); coding-DNA position 1465, G replaced by C.
Protein change: p.Asp489His; replaces aspartic acid 489 with histidine.
Molecular consequence: missense variant. On other transcripts: 3 prime UTR variant (1), non-coding transcript variant (1).
Genome position (GRCh38, 1-based): chrX:130,131,783, C>G on the plus strand (G>C on the coding strand, the complement: AIFM1 is on the minus strand). VCF-style: chrX-130131783-C-G. GRCh37 (hg19) VCF-style: chrX-129265758-C-G.
Other names: c.448G>C, p.Asp150His (NM_001130846.4); c.*693G>C (NM_001130847.4); c.1453G>C, p.Asp485His (NM_145812.3); short protein forms D150H, D485H, D489H.
Identifiers: ClinVar variation 3365583 (VCV003365583.1).
Genomic context (GRCh38, chrX:130,131,783, plus strand): 5'-CAAAAACACCAACTGTGGGCAAACTACTGTCCACAAGACCAATAGCTTCATAGCCAACAT[C>G]GGGGCCCAAATCACTCCTAAGAAGAGAGAAGAGGGTGTTCTGTCAAGGGACTGTAAGGAA-3'
Protein context (NP_004199.1, residues 479-499): QSMFWSDLGP[Asp489His]VGYEAIGLVD

ClinVar aggregate classification (germline): Uncertain significance (1 of 4 stars; one submission).

Submission:

GeneDx
Classification: Uncertain significance. Last evaluated: 2023-12-14. Review status: criteria provided, single submitter. Criteria: GeneDx Variant Classification Process June 2021. Collection method: clinical testing. Allele origin: germline. Affected: yes.
Comment: Not observed at significant frequency in large population cohorts (gnomAD); In silico analysis supports that this missense variant has a deleterious effect on protein structure/function; Has not been previously published as pathogenic or benign to our knowledge